The following is an entry in ClinVar:

NM_001105206.3(LAMA4):c.2061del (p.Ser687fs)

Gene: LAMA4 (laminin subunit alpha 4; minus strand). Cytogenetic location: 6q21.
Variant type: Deletion.
Coding change: c.2061del on transcript NM_001105206.3 (MANE Select); coding-DNA position 2061, one base deleted (T; older notation c.2061delT).
Protein change: p.Ser687fs; shifts the reading frame from serine 687.
Molecular consequence: frameshift variant.
Genome position (GRCh38, 1-based): chr6:112,150,623, A deleted on the plus strand (T on the coding strand, the reverse complement: LAMA4 is on the minus strand). VCF-style (leftmost placement, unchanged base first): chr6-112150622-CA-C. GRCh37 (hg19) VCF-style: chr6-112471824-CA-C.
Other names: c.2040del, p.Ser680fs (NM_001105207.3, NM_002290.5); short protein forms S680fs, S687fs.
Identifiers: ClinVar variation 2695903 (VCV002695903.3), dbSNP rs2547052256, ClinGen allele CA2697553649.

ClinVar aggregate classification (germline): Uncertain significance (1 of 4 stars; one submission).

Conditions:
Dilated cardiomyopathy 1JJ (CMD1JJ). Identifiers: Orphanet 154, MedGen C3808935, MONDO:0014095, OMIM 615235.

Submission:

Labcorp Genetics (formerly Invitae), Labcorp
Classification: Uncertain significance for Dilated cardiomyopathy 1JJ. Last evaluated: 2023-11-14. Review status: criteria provided, single submitter. Criteria: Invitae Variant Classification Sherloc (09022015). Collection method: clinical testing. Allele origin: germline.
Comment: This sequence change creates a premature translational stop signal (p.Ser680Argfs*16) in the LAMA4 gene. It is expected to result in an absent or disrupted protein product. However, the current clinical and genetic evidence is not sufficient to establish whether loss-of-function variants in LAMA4 cause disease. This variant is not present in population databases (gnomAD no frequency). This variant has not been reported in the literature in individuals affected with LAMA4-related conditions. In summary, the available evidence is currently insufficient to determine the role of this variant in disease. Therefore, it has been classified as a Variant of Uncertain Significance.